The following is an entry in ClinVar:

NM_001039591.3(USP9X):c.1964A>C (p.Gln655Pro)

Gene: USP9X (ubiquitin specific peptidase 9 X-linked; plus strand). Cytogenetic location: Xp11.4.
Variant type: single nucleotide variant.
Coding change: c.1964A>C on transcript NM_001039591.3 (MANE Select); coding-DNA position 1964, A replaced by C.
Protein change: p.Gln655Pro; replaces glutamine 655 with proline.
Molecular consequence: missense variant.
Genome position (GRCh38, 1-based): chrX:41,162,856, A>C. VCF-style: chrX-41162856-A-C. GRCh37 (hg19) VCF-style: chrX-41022109-A-C.
Other names: c.1964A>C, p.Gln655Pro (NM_001039590.3); c.1979A>C, p.Gln660Pro (NM_001410748.1, NM_001410749.1); short protein forms Q655P, Q660P.
Identifiers: ClinVar variation 3368751 (VCV003368751.1).

ClinVar aggregate classification (germline): Uncertain significance (1 of 4 stars; one submission).

Submission:

GeneDx
Classification: Uncertain significance. Last evaluated: 2024-02-07. Review status: criteria provided, single submitter. Criteria: GeneDx Variant Classification Process June 2021. Collection method: clinical testing. Allele origin: germline. Affected: yes.
Comment: Not observed at significant frequency in large population cohorts (gnomAD); In silico analysis supports that this missense variant has a deleterious effect on protein structure/function; Has not been previously published as pathogenic or benign to our knowledge